The following is an entry in ClinVar:

NM_001739.2(CA5A):c.629C>T (p.Ala210Val)

Gene: CA5A (carbonic anhydrase 5A; minus strand). Cytogenetic location: 16q24.2.
Variant type: single nucleotide variant.
Coding change: c.629C>T on transcript NM_001739.2 (MANE Select); coding-DNA position 629, C replaced by T.
Protein change: p.Ala210Val; replaces alanine 210 with valine.
Molecular consequence: missense variant. On other transcripts: non-coding transcript variant (2).
Genome position (GRCh38, 1-based): chr16:87,891,944, G>A on the plus strand (C>T on the coding strand, the complement: CA5A is on the minus strand). VCF-style: chr16-87891944-G-A. GRCh37 (hg19) VCF-style: chr16-87925550-G-A.
Other names: c.629C>T, p.Ala210Val (NM_001367225.1); short protein forms A210V.
Identifiers: ClinVar variation 1034862 (VCV001034862.8), dbSNP rs377314096, ClinGen allele CA8223335.

ClinVar aggregate classification (germline): Uncertain significance (1 of 4 stars; one submission).

Conditions:
Hyperammonemic encephalopathy due to carbonic anhydrase VA deficiency. Also called: Carbonic anhydrase VA deficiency, hyperammonemia due to; Carbonic Anhydrase VA Deficiency. Identifiers: Orphanet 401948, MedGen C4706871, MONDO:0014332, OMIM 615751.

Allele frequency attached by ClinVar (database versions not stated): gnomAD 0.00007 and 0.00008; TOPMed 0.00008; ExAC 0.00012; 1000 Genomes Project 30x 0.00016; ESP Exome Variant Server 0.00016; 1000 Genomes Project 0.00020.
gnomAD v4.1: 38 of 1,541,442 alleles (0.0025%); highest among the groups gnomAD compares: African/African-American, 0.024%; no homozygotes.

Submission:

Labcorp Genetics (formerly Invitae), Labcorp
Classification: Uncertain significance for Hyperammonemic encephalopathy due to carbonic anhydrase VA deficiency. Last evaluated: 2025-04-18. Review status: criteria provided, single submitter. Criteria: Invitae Variant Classification Sherloc (09022015). Collection method: clinical testing. Allele origin: germline.
Comment: This sequence change replaces alanine, which is neutral and non-polar, with valine, which is neutral and non-polar, at codon 210 of the CA5A protein (p.Ala210Val). The frequency data for this variant in the population databases is considered unreliable, as metrics indicate poor data quality at this position in the gnomAD database. This variant has not been reported in the literature in individuals affected with CA5A-related conditions. ClinVar contains an entry for this variant (Variation ID: 1034862). Invitae Evidence Modeling of protein sequence and biophysical properties (such as structural, functional, and spatial information, amino acid conservation, physicochemical variation, residue mobility, and thermodynamic stability) indicates that this missense variant is not expected to disrupt CA5A protein function with a negative predictive value of 80%. In summary, the available evidence is currently insufficient to determine the role of this variant in disease. Therefore, it has been classified as a Variant of Uncertain Significance.